The following is an entry in ClinVar:

NM_001999.4(FBN2):c.337+185A>G

Gene: FBN2 (fibrillin 2; minus strand). Cytogenetic location: 5q23.3.
Variant type: single nucleotide variant.
Coding change: c.337+185A>G on transcript NM_001999.4 (MANE Select); 185 bases into the intron after coding-DNA position 337, A replaced by G.
Molecular consequence: intron variant.
Genome position (GRCh38, 1-based): chr5:128,536,217, T>C on the plus strand (A>G on the coding strand, the complement: FBN2 is on the minus strand). VCF-style: chr5-128536217-T-C. GRCh37 (hg19) VCF-style: chr5-127871910-T-C.
Identifiers: ClinVar variation 674500 (VCV000674500.1), dbSNP rs76039082, ClinGen allele CA127057521.

ClinVar aggregate classification (germline): Likely benign (1 of 4 stars; one submission).

Allele frequency attached by ClinVar (database versions not stated): gnomAD 0.01884 and 0.02291; TOPMed 0.02279; 1000 Genomes Project 30x 0.07027; 1000 Genomes Project 0.07748.
gnomAD v4.1: 3,450 of 152,306 alleles (2.3%); highest among the groups gnomAD compares: East Asian, 36%; 353 homozygotes.

Submission:

GeneDx
Classification: Likely benign. Last evaluated: 2018-06-19. Review status: criteria provided, single submitter. Criteria: GeneDx Variant Classification (06012015). Collection method: clinical testing. Allele origin: germline. Affected: yes.
Comment: This variant is considered likely benign or benign based on one or more of the following criteria: it is a conservative change, it occurs at a poorly conserved position in the protein, it is predicted to be benign by multiple in silico algorithms, and/or has population frequency not consistent with disease.